The following is an entry in ClinVar:

NM_000052.7(ATP7A):c.1707+3_1707+8del

Gene: ATP7A (ATPase copper transporting alpha; plus strand). Cytogenetic location: Xq21.1.
Variant type: Deletion.
Coding change: c.1707+3_1707+8del on transcript NM_000052.7 (MANE Select); bases 3 to 8 of the intron after coding-DNA position 1707, 6 bases deleted (AAGTAA; older notation c.1707+3_1707+8delAAGTAA).
Molecular consequence: intron variant.
Genome position (GRCh38, 1-based): chrX:78,003,239-78,003,244, AAGTAA deleted. VCF-style (leftmost placement, unchanged base first): chrX-78003238-TAAGTAA-T. GRCh37 (hg19) VCF-style: chrX-77258735-TAAGTAA-T.
Other names: c.1707+3_1707+8del (NM_001282224.2).
Identifiers: ClinVar variation 4874601 (VCV004874601.2).

ClinVar aggregate classification (germline): Uncertain significance (1 of 4 stars; one submission).

Submission:

CeGaT Center for Human Genetics Tuebingen
Classification: Uncertain significance. Last evaluated: 2026-04-01. Review status: criteria provided, single submitter. Criteria: CeGaT Center For Human Genetics Tuebingen Variant Classification Criteria Version 2. Collection method: clinical testing. Allele origin: germline. Affected: yes. Observed: 2 variant alleles.
Comment: ATP7A: PM2, PP3